The following is an entry in ClinVar:

ClinVar aggregate classification (germline): Pathogenic (1 of 4 stars; one submission).

Conditions:
Multiple sulfatase deficiency (MSD). Also called: Mucosulfatidosis; Multiple Sulfatase Deficiency Disease; Sulfatidosis, Juvenile, Austin Type. Identifiers: Orphanet 585, MedGen C0268263, MONDO:0010088, OMIM 272200.

Submission:

Labcorp Genetics (formerly Invitae), Labcorp
Classification: Pathogenic for Multiple sulfatase deficiency. Last evaluated: 2023-11-06. Review status: criteria provided, single submitter. Criteria: Invitae Variant Classification Sherloc (09022015). Collection method: clinical testing. Allele origin: unknown.
Comment: This variant is a gross deletion of the genomic region encompassing exon(s) 1 of the SUMF1 gene, which includes the initiator codon. This deletion extends beyond the assayed region for this gene and therefore may encompass additional genes. It is expected to result in an absent or disrupted protein product. Loss-of-function variants in SUMF1 are known to be pathogenic (PMID: 12757705, 12757706, 25885655). This variant has not been reported in the literature in individuals affected with SUMF1-related conditions. For these reasons, this variant has been classified as Pathogenic.

Literature cited by the submitters: PubMed 12757705; PubMed 12757706; PubMed 25885655.

NC_000003.11:g.(?_4508640)_(4508929_?)del

Gene: SUMF1 (sulfatase modifying factor 1; minus strand). Cytogenetic location: 3p26.1.
Variant type: Deletion.
Identifiers: ClinVar variation 3246848 (VCV003246848.1).